The following is an entry in ClinVar:

NM_017757.3(ZNF407):c.6692C>T (p.Ser2231Leu)

Gene: ZNF407 (zinc finger protein 407; plus strand). Cytogenetic location: 18q22.3.
Variant type: single nucleotide variant.
Coding change: c.6692C>T on transcript NM_017757.3 (MANE Select); coding-DNA position 6692, C replaced by T.
Protein change: p.Ser2231Leu; replaces serine 2231 with leucine.
Molecular consequence: missense variant.
Genome position (GRCh38, 1-based): chr18:75,064,413, C>T. VCF-style: chr18-75064413-C-T. GRCh37 (hg19) VCF-style: chr18-72776369-C-T.
Other names: c.6692C>T, p.Ser2231Leu (NM_001384475.1); short protein forms S2231L.
Identifiers: ClinVar variation 3195569 (VCV003195569.3), dbSNP rs376422062, ClinGen allele CA9001430.
Genomic context (GRCh38, chr18:75,064,413, plus strand): 5'-GGGCCCCAAGCAGGGCAGAGCAGCTGGCCAGCGTGGTCATCTACACCCAGGAGGGCTCCT[C>T]GGCCGCGGCGGCAATTCAGAGCCAAAGAGAAAGCAGCGAACTCCAGGAAGCATGAGACGC-3'
Protein context (NP_060227.2, residues 2221-2241): SVVIYTQEGS[Ser2231Leu]AAAAIQSQRE

ClinVar aggregate classification (germline): Uncertain significance. Review status: criteria provided, multiple submitters, no conflicts (2 of 4 stars). 2 submissions from 2 submitters: Uncertain significance (2). Last evaluated 2026-04-16.

Allele frequency attached by ClinVar (database versions not stated): ESP Exome Variant Server 0.00008; 1000 Genomes Project 30x 0.00016; 1000 Genomes Project 0.00020; gnomAD 0.00003; ExAC 0.00018; TOPMed 0.00005; gnomAD exomes 0.00006.
gnomAD v4.1: 82 of 1,526,008 alleles (0.0054%); highest among the groups gnomAD compares: Non-Finnish European, 0.0065%; no homozygotes.

Submissions (2):

Dasa
Classification: Uncertain significance. Last evaluated: 2026-04-16. Review status: criteria provided, single submitter. Criteria: DASA Assertion Criteria. Collection method: clinical testing. Allele origin: germline.
Comment: NM_017757.3(ZNF407):c.6692C>T (p.Ser2231Leu) is a missense variant that results in the substitution of serine with leucine. This variant is rare in population databases. Computational prediction algorithms are consistent with a benign effect. The currently available literature and clinical evidence are not sufficient to establish a definitive association between this variant and the reported condition. Therefore, this variant is classified as a variant of uncertain significance.

Ambry Genetics
Classification: Uncertain significance. Last evaluated: 2022-07-07. Review status: criteria provided, single submitter. Criteria: Ambry Variant Classification Scheme 2023. Collection method: clinical testing. Allele origin: germline.